The following is an entry in ClinVar:

NM_004356.4(CD81):c.566A>T (p.Asp189Val)

Gene: CD81 (CD81 molecule; plus strand). Cytogenetic location: 11p15.5.
Variant type: single nucleotide variant.
Coding change: c.566A>T on transcript NM_004356.4 (MANE Select); coding-DNA position 566, A replaced by T.
Protein change: p.Asp189Val; replaces aspartic acid 189 with valine.
Molecular consequence: missense variant.
Genome position (GRCh38, 1-based): chr11:2,396,632, A>T. VCF-style: chr11-2396632-A-T. GRCh37 (hg19) VCF-style: chr11-2417862-A-T.
Other names: c.353A>T, p.Asp118Val (NM_001297649.2, NM_001425129.1, NM_001425130.1 and 3 more transcripts); c.689A>T, p.Asp230Val (NM_001425135.1); c.563A>T, p.Asp188Val (NM_001425137.1); c.350A>T, p.Asp117Val (NM_001425138.1); short protein forms D118V, D230V, D117V, D188V, D189V.
Identifiers: ClinVar variation 2865788 (VCV002865788.3), dbSNP rs753598736, ClinGen allele CA5820109.

ClinVar aggregate classification (germline): Uncertain significance (1 of 4 stars; one submission).

Allele frequency attached by ClinVar (database versions not stated): gnomAD exomes below 0.00001; ExAC 0.00001; TOPMed 0.00001.

Submission:

Labcorp Genetics (formerly Invitae), Labcorp
Classification: Uncertain significance. Last evaluated: 2023-04-06. Review status: criteria provided, single submitter. Criteria: Invitae Variant Classification Sherloc (09022015). Collection method: clinical testing. Allele origin: germline.
Comment: This sequence change replaces aspartic acid, which is acidic and polar, with valine, which is neutral and non-polar, at codon 189 of the CD81 protein (p.Asp189Val). This variant is present in population databases (rs753598736, gnomAD 0.007%). This variant has not been reported in the literature in individuals affected with CD81-related conditions. An algorithm developed to predict the effect of missense changes on protein structure and function (PolyPhen-2) suggests that this variant is likely to be tolerated. In summary, the available evidence is currently insufficient to determine the role of this variant in disease. Therefore, it has been classified as a Variant of Uncertain Significance.